The following is an entry in ClinVar:

ClinVar aggregate classification (germline): Uncertain significance (1 of 4 stars; one submission).

Submission:

GeneDx
Classification: Uncertain significance. Last evaluated: 2026-04-09. Review status: criteria provided, single submitter. Criteria: GeneDx Variant Classification Process June 2021. Collection method: clinical testing. Allele origin: germline.
Comment: Has not been previously published as pathogenic or benign to our knowledge; No data available from control populations to assess the frequency of this variant; Reported using an alternate transcript of the gene; In silico analysis does not support a benign or deleterious effect of this variant on protein structure/function

NM_001368397.1(FRMPD4):c.4234G>C (p.Val1412Leu)

Gene: FRMPD4 (FERM and PDZ domain containing 4; plus strand). Cytogenetic location: Xp22.2.
Variant type: single nucleotide variant.
Coding change: c.4234G>C on transcript NM_001368397.1 (MANE Select); coding-DNA position 4234, G replaced by C.
Protein change: p.Val1412Leu; replaces valine 1412 with leucine.
Molecular consequence: missense variant. On other transcripts: 3 prime UTR variant (6).
Genome position (GRCh38, 1-based): chrX:12,720,803, G>C. VCF-style: chrX-12720803-G-C. GRCh37 (hg19) VCF-style: chrX-12738922-G-C.
Other names: c.4345G>C, p.Val1449Leu (NM_001368395.3); c.4240G>C, p.Val1414Leu (NM_001368396.3); c.*270G>C (NM_001368398.3, NM_001368399.3, NM_001368400.3 and 3 more transcripts); short protein forms V1412L, V1414L, V1449L.
Identifiers: ClinVar variation 5036978 (VCV005036978.1).